The following is an entry in ClinVar:

ClinVar aggregate classification (germline): Uncertain significance (1 of 4 stars; one submission).

Conditions:
Autoimmune interstitial lung disease-arthritis syndrome. Also called: Autoinflammation and autoimmunity, systemic, with immune dysregulation. Identifiers: Orphanet 444092, MedGen C5975714, MONDO:0014629.

Submission:

Labcorp Genetics (formerly Invitae), Labcorp
Classification: Uncertain significance for Autoimmune interstitial lung disease-arthritis syndrome. Last evaluated: 2024-06-16. Review status: criteria provided, single submitter. Criteria: Invitae Variant Classification Sherloc (09022015). Collection method: clinical testing. Allele origin: germline.
Comment: This sequence change replaces glutamine, which is neutral and polar, with arginine, which is basic and polar, at codon 1199 of the COPA protein (p.Gln1199Arg). This variant is present in population databases (rs757939740, gnomAD 0.006%). This variant has not been reported in the literature in individuals affected with COPA-related conditions. Advanced modeling of protein sequence and biophysical properties (such as structural, functional, and spatial information, amino acid conservation, physicochemical variation, residue mobility, and thermodynamic stability) performed at Invitae indicates that this missense variant is not expected to disrupt COPA protein function with a negative predictive value of 80%. In summary, the available evidence is currently insufficient to determine the role of this variant in disease. Therefore, it has been classified as a Variant of Uncertain Significance.

NM_004371.4(COPA):c.3596A>G (p.Gln1199Arg)

Gene: COPA (coat protein complex I subunit alpha; minus strand). Cytogenetic location: 1q23.2.
Variant type: single nucleotide variant.
Coding change: c.3596A>G on transcript NM_004371.4 (MANE Select); coding-DNA position 3596, A replaced by G.
Protein change: p.Gln1199Arg; replaces glutamine 1199 with arginine.
Molecular consequence: missense variant.
Genome position (GRCh38, 1-based): chr1:160,290,511, T>C on the plus strand (A>G on the coding strand, the complement: COPA is on the minus strand). VCF-style: chr1-160290511-T-C. GRCh37 (hg19) VCF-style: chr1-160260301-T-C.
Other names: c.3623A>G, p.Gln1208Arg (NM_001098398.2); short protein forms Q1199R, Q1208R.
Identifiers: ClinVar variation 3616432 (VCV003616432.2).
Genomic context (GRCh38, chr1:160,290,511, plus strand): 5'-CGCTCAATATCCTAGATATATTTATTGAGGACAGTACTTACTGTGGTGACCCTGCAGATT[T>C]GACCTTTGAACTCAGGGGAATAGCAGGCCCCACTGAGTGGACACTTTTCTACTGGCTTTC-3'
Protein context (NP_004362.2, residues 1189-1209): GACYSPEFKG[Gln1199Arg]ICRVTTVTEI